The following is an entry in ClinVar:

ClinVar aggregate classification (germline): Uncertain significance (1 of 4 stars; one submission).

Conditions:
Early-onset Lafora body disease. Also called: Epilepsy, progressive myoclonic, 10. Identifiers: Orphanet 324290, MedGen C4225258, MONDO:0014717, OMIM 616640.

Allele frequency attached by ClinVar (database versions not stated): gnomAD exomes below 0.00001.
gnomAD v4.1: 5 of 1,614,068 alleles (0.00031%); highest among the groups gnomAD compares: East Asian, 0.0067%; no homozygotes.

Submission:

Labcorp Genetics (formerly Invitae), Labcorp
Classification: Uncertain significance for Early-onset Lafora body disease. Last evaluated: 2018-04-26. Review status: criteria provided, single submitter. Criteria: Invitae Variant Classification Sherloc (09022015). Collection method: clinical testing. Allele origin: germline.
Comment: In summary, the available evidence is currently insufficient to determine the role of this variant in disease. Therefore, it has been classified as a Variant of Uncertain Significance. Algorithms developed to predict the effect of missense changes on protein structure and function output the following: SIFT: "Tolerated"; PolyPhen-2: "Benign"; Align-GVGD: "Class C0". The threonine amino acid residue is found in multiple mammalian species, suggesting that this missense change does not adversely affect protein function. These predictions have not been confirmed by published functional studies and their clinical significance is uncertain. This variant has not been reported in the literature in individuals with PRDM8-related disease. This variant is not present in population databases (ExAC no frequency). This sequence change replaces isoleucine with threonine at codon 187 of the PRDM8 protein (p.Ile187Thr). The isoleucine residue is weakly conserved and there is a moderate physicochemical difference between isoleucine and threonine.

NM_001099403.2(PRDM8):c.560T>C (p.Ile187Thr)

Genes: PRDM8 (PR/SET domain 8; plus strand), LOC126807094 (CDK7 strongly-dependent group 2 enhancer GRCh37_chr4:81121978-81123177; plus strand). Cytogenetic location: 4q21.21.
Variant type: single nucleotide variant.
Coding change: c.560T>C on transcript NM_001099403.2 (MANE Select); coding-DNA position 560, T replaced by C.
Protein change: p.Ile187Thr; replaces isoleucine 187 with threonine.
Molecular consequence: missense variant.
Genome position (GRCh38, 1-based): chr4:80,202,022, T>C. VCF-style: chr4-80202022-T-C. GRCh37 (hg19) VCF-style: chr4-81123176-T-C.
Other names: c.560T>C, p.Ile187Thr (NM_020226.4); short protein forms I187T.
Identifiers: ClinVar variation 978527 (VCV000978527.9), dbSNP rs1191905970, ClinGen allele CA357394314.
Genomic context (GRCh38, chr4:80,202,022, plus strand): 5'-AGTTCCCCTATGTGGCGCATCTGCGTTTCCGCTGCCCCAAGAGACTTCACAGCGCTGATA[T>C]AAGTCCCCAAGACGAACAAGGCGGCGGCGTGGGCACCAAGGACCACGGGGGCGGCGGCGG-3'
Protein context (NP_001092873.1, residues 177-197): RCPKRLHSAD[Ile187Thr]SPQDEQGGGV